The following is an entry in ClinVar:

NM_015072.5(TTLL5):c.2795C>T (p.Pro932Leu)

Gene: TTLL5 (tubulin tyrosine ligase like 5; plus strand). Cytogenetic location: 14q24.3.
Variant type: single nucleotide variant.
Coding change: c.2795C>T on transcript NM_015072.5 (MANE Select); coding-DNA position 2795, C replaced by T.
Protein change: p.Pro932Leu; replaces proline 932 with leucine.
Molecular consequence: missense variant.
Genome position (GRCh38, 1-based): chr14:75,783,339, C>T. VCF-style: chr14-75783339-C-T. GRCh37 (hg19) VCF-style: chr14-76249682-C-T.
Other names: short protein forms P932L.
Identifiers: ClinVar variation 1469397 (VCV001469397.6), dbSNP rs2140331485, ClinGen allele CA390472394.
Genomic context (GRCh38, chr14:75,783,339, plus strand): 5'-CTTGCCACCATTCTTCTTTATCTCAAATTCCTTCAGCTATCCCCAGCATGCCTCACCAGC[C>T]AACAATTTTACTGAACACAGTCTCTGCCAGTGCTTCTCCCTGCCTACATCCCGGGGCACA-3'
Protein context (NP_055887.3, residues 922-942): PSAIPSMPHQ[Pro932Leu]TILLNTVSAS

ClinVar aggregate classification (germline): Uncertain significance (1 of 4 stars; one submission).

Submission:

Labcorp Genetics (formerly Invitae), Labcorp
Classification: Uncertain significance. Last evaluated: 2021-11-26. Review status: criteria provided, single submitter. Criteria: Invitae Variant Classification Sherloc (09022015). Collection method: clinical testing. Allele origin: germline.
Comment: In summary, the available evidence is currently insufficient to determine the role of this variant in disease. Therefore, it has been classified as a Variant of Uncertain Significance. Algorithms developed to predict the effect of missense changes on protein structure and function are either unavailable or do not agree on the potential impact of this missense change (SIFT: "Deleterious"; PolyPhen-2: "Benign"; Align-GVGD: "Class C0"). This variant has not been reported in the literature in individuals affected with TTLL5-related conditions. This variant is not present in population databases (gnomAD no frequency). This sequence change replaces proline, which is neutral and non-polar, with leucine, which is neutral and non-polar, at codon 932 of the TTLL5 protein (p.Pro932Leu).